The following is an entry in ClinVar:

NM_001330691.3(CEP78):c.222G>C (p.Lys74Asn)

Gene: CEP78 (centrosomal protein 78; plus strand). Cytogenetic location: 9q21.2.
Variant type: single nucleotide variant.
Coding change: c.222G>C on transcript NM_001330691.3 (MANE Select); coding-DNA position 222, G replaced by C.
Protein change: p.Lys74Asn; replaces lysine 74 with asparagine.
Molecular consequence: missense variant.
Genome position (GRCh38, 1-based): chr9:78,236,572, G>C. VCF-style: chr9-78236572-G-C. GRCh37 (hg19) VCF-style: chr9-80851488-G-C.
Other names: c.222G>C, p.Lys74Asn (NM_001098802.3, NM_001330693.3, NM_001330694.2 and 4 more transcripts); short protein forms K74N.
Identifiers: ClinVar variation 1061169 (VCV001061169.6), dbSNP rs1316019313, ClinGen allele CA373999506.

ClinVar aggregate classification (germline): Uncertain significance (1 of 4 stars; one submission).

gnomAD v4.1: 8 of 1,567,292 alleles (0.00051%); highest among the groups gnomAD compares: South Asian, 0.0083%; no homozygotes.

Submission:

Labcorp Genetics (formerly Invitae), Labcorp
Classification: Uncertain significance. Last evaluated: 2022-05-20. Review status: criteria provided, single submitter. Criteria: Invitae Variant Classification Sherloc (09022015). Collection method: clinical testing. Allele origin: germline.
Comment: This sequence change replaces lysine, which is basic and polar, with asparagine, which is neutral and polar, at codon 74 of the CEP78 protein (p.Lys74Asn). The frequency data for this variant in the population databases is considered unreliable, as metrics indicate poor data quality at this position in the gnomAD database. This variant has not been reported in the literature in individuals affected with CEP78-related conditions. ClinVar contains an entry for this variant (Variation ID: 1061169). Algorithms developed to predict the effect of missense changes on protein structure and function are either unavailable or do not agree on the potential impact of this missense change (SIFT: "Deleterious"; PolyPhen-2: "Benign"; Align-GVGD: "Class C0"). In summary, the available evidence is currently insufficient to determine the role of this variant in disease. Therefore, it has been classified as a Variant of Uncertain Significance.